The following is an entry in ClinVar:

ClinVar aggregate classification (germline): Uncertain significance (1 of 4 stars; one submission).

Conditions:
Long QT syndrome (LQTS). Identifiers: MedGen C0023976, MeSH D008133, MONDO:0002442. Disease mechanism: loss of function. Inheritance: Various modes of inheritance.

Submission:

Labcorp Genetics (formerly Invitae), Labcorp
Classification: Uncertain significance for Long QT syndrome. Last evaluated: 2025-10-23. Review status: criteria provided, single submitter. Criteria: Invitae Variant Classification Sherloc (09022015). Collection method: clinical testing. Allele origin: germline.
Comment: This sequence change replaces lysine, which is basic and polar, with asparagine, which is neutral and polar, at codon 2878 of the ANK2 protein (p.Lys2878Asn). This variant is not present in population databases (gnomAD no frequency). This variant has not been reported in the literature in individuals affected with ANK2-related conditions. An algorithm developed to predict the effect of missense changes on protein structure and function outputs the following: PolyPhen-2: "Benign". The asparagine amino acid residue is found in multiple mammalian species, which suggests that this missense change does not adversely affect protein function. In summary, the available evidence is currently insufficient to determine the role of this variant in disease. Therefore, it has been classified as a Variant of Uncertain Significance.

NM_001148.6(ANK2):c.8634A>T (p.Lys2878Asn)

Gene: ANK2 (ankyrin 2; plus strand). Cytogenetic location: 4q26.
Variant type: single nucleotide variant.
Coding change: c.8634A>T on transcript NM_001148.6 (MANE Select); coding-DNA position 8634, A replaced by T.
Protein change: p.Lys2878Asn; replaces lysine 2878 with asparagine.
Molecular consequence: missense variant. On other transcripts: intron variant (68).
Genome position (GRCh38, 1-based): chr4:113,357,252, A>T. VCF-style: chr4-113357252-A-T. GRCh37 (hg19) VCF-style: chr4-114278408-A-T.
Other names: c.8400A>T, p.Lys2800Asn (NM_001386142.1); c.5034A>T, p.Lys1678Asn (NM_001386166.1); c.8775A>T, p.Lys2925Asn (NM_001386174.1); c.8751A>T, p.Lys2917Asn (NM_001386175.1); c.4412-3571A>T (NM_001386186.2, NM_001386148.2); c.4214-3571A>T (NM_001354269.3); c.4292-3571A>T (NM_001386187.2); c.4253-3571A>T (NM_001386147.1); and 35 more; short protein forms K2800N, K1678N, K2925N, K2917N, K2878N.
Identifiers: ClinVar variation 4729429 (VCV004729429.1).
Genomic context (GRCh38, chr4:113,357,252, plus strand): 5'-AAAAGAATTAGATGAAGACATATCTGCCACATCTTCTATTCAAAAAACAGAGGTCACAAA[A>T]ACTGATGAAACATTTGAGAACTTACCAAAGGACTGCCCCTCTCAAGACTCATCCATTACT-3'
Protein context (NP_001139.3, residues 2868-2888): TSSIQKTEVT[Lys2878Asn]TDETFENLPK